The following is an entry in ClinVar:

GRCh38/hg38 17p13.1(chr17:7210345-7496934)x1

Genes: ACADVL (acyl-CoA dehydrogenase very long chain; plus strand), ACAP1 (ArfGAP with coiled-coil, ankyrin repeat and PH domains 1; plus strand), CHRNB1 (cholinergic receptor nicotinic beta 1 subunit; plus strand), CLDN7 (claudin 7; minus strand), CTDNEP1 (CTD nuclear envelope phosphatase 1; minus strand) and 69 more. Cytogenetic location: 17p13.1.
Variant type: copy number loss.
Change: copy number 1 (one copy instead of two) of chr17:7,210,345-7,496,934 (286.6 kb, GRCh38 coordinates, 1-based), cytogenetic band 17p13.1.
Identifiers: ClinVar variation 59582 (VCV000059582.1).

ClinVar aggregate classification (germline): Pathogenic (1 of 4 stars; one submission).

Submission:

ISCA site 15
Classification: Pathogenic. Last evaluated: 2011-08-12. Review status: criteria provided, single submitter. Criteria: Kaminsky et al. (Genet Med. 2011). Collection method: clinical testing. Allele origin: de novo. Affected: yes. Observed: 1 variant allele.
Comment: Copy number variation identified through the course of routine clinical cytogenomic testing in postnatal populations. Clinical assertions have been curated as described in Kaminsky et al. 2011.